The following is an entry in ClinVar:

ClinVar aggregate classification (germline): Uncertain significance (1 of 4 stars; one submission).

Submission:

Labcorp Genetics (formerly Invitae), Labcorp
Classification: Uncertain significance. Last evaluated: 2023-03-30. Review status: criteria provided, single submitter. Criteria: Invitae Variant Classification Sherloc (09022015). Collection method: clinical testing. Allele origin: germline.
Comment: In summary, the available evidence is currently insufficient to determine the role of this variant in disease. Therefore, it has been classified as a Variant of Uncertain Significance. An algorithm developed to predict the effect of missense changes on protein structure and function (PolyPhen-2) suggests that this variant is likely to be disruptive. This variant has not been reported in the literature in individuals affected with PPP2R5D-related conditions. This variant is not present in population databases (gnomAD no frequency). This sequence change replaces arginine, which is basic and polar, with proline, which is neutral and non-polar, at codon 91 of the PPP2R5D protein (p.Arg91Pro).

NM_006245.4(PPP2R5D):c.272G>C (p.Arg91Pro)

Gene: PPP2R5D (protein phosphatase 2 regulatory subunit B'delta; plus strand). Cytogenetic location: 6p21.1.
Variant type: single nucleotide variant.
Coding change: c.272G>C on transcript NM_006245.4 (MANE Select); coding-DNA position 272, G replaced by C.
Protein change: p.Arg91Pro; replaces arginine 91 with proline.
Molecular consequence: missense variant. On other transcripts: 5 prime UTR variant (1), intron variant (2).
Genome position (GRCh38, 1-based): chr6:43,006,629, G>C. VCF-style: chr6-43006629-G-C. GRCh37 (hg19) VCF-style: chr6-42974367-G-C.
Other names: c.-182G>C (NM_001270476.2); c.249+23G>C (NM_180976.3); c.28-305G>C (NM_180977.3); short protein forms R91P.
Identifiers: ClinVar variation 2851058 (VCV002851058.3), dbSNP rs1000886256, ClinGen allele CA364180856.